The following is an entry in ClinVar:

ClinVar aggregate classification (germline): Uncertain significance (1 of 4 stars; one submission).

Allele frequency attached by ClinVar (database versions not stated): gnomAD 0.00001; TOPMed 0.00001; gnomAD exomes 0.00002.

Submission:

Ambry Genetics
Classification: Uncertain significance. Last evaluated: 2023-09-04. Review status: criteria provided, single submitter. Criteria: Ambry Variant Classification Scheme 2023. Collection method: clinical testing. Allele origin: germline.
Comment: The p.N1247S variant (also known as c.3740A>G), located in coding exon 16 of the POLQ gene, results from an A to G substitution at nucleotide position 3740. The asparagine at codon 1247 is replaced by serine, an amino acid with highly similar properties. This amino acid position is conserved. In addition, this alteration is predicted to be tolerated by in silico analysis. Since supporting evidence is limited at this time, the clinical significance of this alteration remains unclear.

NM_199420.4(POLQ):c.3740A>G (p.Asn1247Ser)

Gene: POLQ (DNA polymerase theta; minus strand). Cytogenetic location: 3q13.33.
Variant type: single nucleotide variant.
Coding change: c.3740A>G on transcript NM_199420.4 (MANE Select); coding-DNA position 3740, A replaced by G.
Protein change: p.Asn1247Ser; replaces asparagine 1247 with serine.
Molecular consequence: missense variant.
Genome position (GRCh38, 1-based): chr3:121,489,191, T>C on the plus strand (A>G on the coding strand, the complement: POLQ is on the minus strand). VCF-style: chr3-121489191-T-C. GRCh37 (hg19) VCF-style: chr3-121208038-T-C.
Other names: short protein forms N1247S.
Identifiers: ClinVar variation 1734475 (VCV001734475.3), dbSNP rs1294464700, ClinGen allele CA354097592.
Genomic context (GRCh38, chr3:121,489,191, plus strand): 5'-TCACTGGGTATCACAGTTCTGCTTATATCATCTCCTAATGCCTGAAAATGACTTGGTTTA[T>C]TTTCCTCTGTATTAAGCTTTATCCTTTCACAATTGATAGTAACATTTGAGTCTCTATTTA-3'
Protein context (NP_955452.3, residues 1237-1257): CERIKLNTEE[Asn1247Ser]KPSHFQALGD